The following is an entry in ClinVar:

NM_015909.4(NBAS):c.1847T>C (p.Leu616Ser)

Gene: NBAS (NBAS subunit of NRZ tethering complex; minus strand). Cytogenetic location: 2p24.3.
Variant type: single nucleotide variant.
Coding change: c.1847T>C on transcript NM_015909.4 (MANE Select); coding-DNA position 1847, T replaced by C.
Protein change: p.Leu616Ser; replaces leucine 616 with serine.
Molecular consequence: missense variant. On other transcripts: non-coding transcript variant (1).
Genome position (GRCh38, 1-based): chr2:15,468,412, A>G on the plus strand (T>C on the coding strand, the complement: NBAS is on the minus strand). VCF-style: chr2-15468412-A-G. GRCh37 (hg19) VCF-style: chr2-15608536-A-G.
Other names: c.1847T>C (NM_015909.2); short protein forms L616S.
Identifiers: ClinVar variation 1965612 (VCV001965612.4), dbSNP rs1266207949, ClinGen allele CA345884219.

ClinVar aggregate classification (germline): Uncertain significance. Review status: criteria provided, multiple submitters, no conflicts (2 of 4 stars). 2 submissions from 2 submitters: Uncertain significance (2). Last evaluated 2023-08-02.

Conditions:
Inborn genetic diseases. Identifiers: MedGen C0950123, MeSH D030342.

Allele frequency attached by ClinVar (database versions not stated): gnomAD exomes below 0.00001; gnomAD 0.00001.
gnomAD v4.1: 4 of 1,613,976 alleles (0.00025%); highest among the groups gnomAD compares: Admixed American, 0.005%; no homozygotes.

Submissions (2):

Ambry Genetics
Classification: Uncertain significance for Inborn genetic diseases. Last evaluated: 2023-08-02. Review status: criteria provided, single submitter. Criteria: Ambry Variant Classification Scheme 2023. Collection method: clinical testing. Allele origin: germline.

Labcorp Genetics (formerly Invitae), Labcorp
Classification: Uncertain significance. Last evaluated: 2022-07-10. Review status: criteria provided, single submitter. Criteria: Invitae Variant Classification Sherloc (09022015). Collection method: clinical testing. Allele origin: germline.
Comment: This sequence change replaces leucine, which is neutral and non-polar, with serine, which is neutral and polar, at codon 616 of the NBAS protein (p.Leu616Ser). This variant is present in population databases (no rsID available, gnomAD 0.003%). This variant has not been reported in the literature in individuals affected with NBAS-related conditions. Algorithms developed to predict the effect of missense changes on protein structure and function are either unavailable or do not agree on the potential impact of this missense change (SIFT: "Deleterious"; PolyPhen-2: "Benign"; Align-GVGD: "Class C65"). In summary, the available evidence is currently insufficient to determine the role of this variant in disease. Therefore, it has been classified as a Variant of Uncertain Significance.